The following is an entry in ClinVar:

NM_001421.4(ELF4):c.1222G>A (p.Val408Met)

Gene: ELF4 (E74 like ETS transcription factor 4; minus strand). Cytogenetic location: Xq26.1.
Variant type: single nucleotide variant.
Coding change: c.1222G>A on transcript NM_001421.4 (MANE Select); coding-DNA position 1222, G replaced by A.
Protein change: p.Val408Met; replaces valine 408 with methionine.
Molecular consequence: missense variant.
Genome position (GRCh38, 1-based): chrX:130,067,491, C>T on the plus strand (G>A on the coding strand, the complement: ELF4 is on the minus strand). VCF-style: chrX-130067491-C-T. GRCh37 (hg19) VCF-style: chrX-129201466-C-T.
Other names: c.1222G>A, p.Val408Met (NM_001127197.2); short protein forms V408M.
Identifiers: ClinVar variation 2661427 (VCV002661427.25), dbSNP rs199975202, ClinGen allele CA10514974.

ClinVar aggregate classification (germline): Likely benign. Review status: criteria provided, multiple submitters, no conflicts (2 of 4 stars). 2 submissions from 2 submitters: Likely benign (2). Last evaluated 2025-01-22.

Conditions:
ELF4-related disorder. Also called: ELF4-related condition.

Allele frequency attached by ClinVar (database versions not stated): ESP Exome Variant Server 0.00019; ExAC 0.00020; gnomAD 0.00032; TOPMed 0.00035; gnomAD exomes 0.00054.

Submissions (2):

PreventionGenetics, part of Exact Sciences
Classification: Likely benign for ELF4-related condition. Last evaluated: 2025-01-22. Review status: criteria provided, single submitter. Criteria: ACMG Guidelines, 2015. Collection method: clinical testing. Allele origin: germline.
Comment: This variant is classified as likely benign based on ACMG/AMP sequence variant interpretation guidelines (Richards et al. 2015 PMID: 25741868, with internal and published modifications).

CeGaT Center for Human Genetics Tuebingen
Classification: Likely benign. Last evaluated: 2023-02-01. Review status: criteria provided, single submitter. Criteria: CeGaT Center For Human Genetics Tuebingen Variant Classification Criteria Version 2. Collection method: clinical testing. Allele origin: germline. Affected: yes. Observed: 1 variant allele.
Comment: ELF4: BS2